The following is an entry in ClinVar:

ClinVar aggregate classification (germline): Likely pathogenic (3 of 4 stars; one submission).

Conditions:
Bernard Soulier syndrome (BSS). Also called: BLEEDING DISORDER, PLATELET-TYPE, 1; PLATELET GLYCOPROTEIN Ib DEFICIENCY; VON WILLEBRAND FACTOR RECEPTOR DEFICIENCY; Platelet Glycoprotein 1b, Deficiency of; Giant platelet syndrome; Hemorrhagiparous thrombocytic dystrophy. Identifiers: Orphanet 274, MedGen C0005129, MeSH D001606, MONDO:0009276, OMIM 231200.

Submission:

ClinGen Platelet Disorders Variant Curation Expert Panel, ClinGen
Classification: Likely pathogenic for Bernard Soulier syndrome. Last evaluated: 2026-03-17. Review status: reviewed by expert panel. Criteria: ClinGen Platelet ACMG Specifications GP1BA V1.0.0. Collection method: curation. Allele origin: germline. Inheritance: Autosomal recessive inheritance.
Comment: The c.1012del (p.Met338CysfsTer62) variant in GP1BA is a frameshift variant that may cause loss of function of the protein, however it is predicted to escape nonsense mediated decay and remove >10% of the protein (PVS1_Strong). At least one patient (Patient 1 in PMID: 38564005) had less than 10% expression of GPIba measured by flow cytometry, which is highly specific for Bernard-Soulier syndrome. Additionally, the patient had excessive mucocutaneous bleeding and macrothrombocytopenia (platelet count 30 × 10^9/L and 14.0 fL MPV) which are consistent with Bernard-Soulier syndrome (PP4). This variant is absent from gnomAD v4.1.0 (PM2_Supporting). In summary, this variant meets the criteria to be classified as Likely Pathogenic for autosomal recessive Bernard-Soulier syndrome based on the ACMG/AMP criteria applied, as specified by the ClinGen PD VCEP: PVS1_Strong, PP4, PM3 and PM2_Supporting (VCEP specifications version 1.1).

NM_000173.7(GP1BA):c.1012del (p.Met338fs)

Gene: GP1BA (glycoprotein Ib platelet subunit alpha; plus strand). Cytogenetic location: 17p13.2.
Variant type: Deletion.
Coding change: c.1012del on transcript NM_000173.7 (MANE Select); coding-DNA position 1012, one base deleted (A; older notation c.1012delA).
Protein change: p.Met338fs; shifts the reading frame from methionine 338.
Molecular consequence: frameshift variant.
Genome position (GRCh38, 1-based): chr17:4,933,616, A deleted; the last of 3 consecutive A bases (chr17:4,933,614-4,933,616); deleting any one gives the same sequence. VCF-style (leftmost placement, unchanged base first): chr17-4933613-CA-C. GRCh37 (hg19) VCF-style: chr17-4836908-CA-C.
Other names: NM_000173.7:c.1012del; short protein forms M338fs.
Identifiers: ClinVar variation 4849260 (VCV004849260.1).